The following is an entry in ClinVar:

NM_017617.5(NOTCH1):c.4337A>C (p.Glu1446Ala)

Gene: NOTCH1 (notch receptor 1; minus strand). Cytogenetic location: 9q34.3.
Variant type: single nucleotide variant.
Coding change: c.4337A>C on transcript NM_017617.5 (MANE Select); coding-DNA position 4337, A replaced by C.
Protein change: p.Glu1446Ala; replaces glutamic acid 1446 with alanine.
Molecular consequence: missense variant.
Genome position (GRCh38, 1-based): chr9:136,505,559, T>G on the plus strand (A>C on the coding strand, the complement: NOTCH1 is on the minus strand). VCF-style: chr9-136505559-T-G. GRCh37 (hg19) VCF-style: chr9-139400011-T-G.
Other names: short protein forms E1446A.
Identifiers: ClinVar variation 3406830 (VCV003406830.1).

ClinVar aggregate classification (germline): Uncertain significance (1 of 4 stars; one submission).

Conditions:
Familial thoracic aortic aneurysm and aortic dissection (TAAD). Also called: Thoracic aortic aneurysms and dissections. Identifiers: Orphanet 91387, MedGen C4707243, MONDO:0019625.

gnomAD v4.1: 2 of 1,611,072 alleles (0.00012%); highest among the groups gnomAD compares: Non-Finnish European, 0.00017%; no homozygotes.

Submission:

Ambry Genetics
Classification: Uncertain significance for Familial thoracic aortic aneurysm and aortic dissection. Last evaluated: 2024-08-19. Review status: criteria provided, single submitter. Criteria: Ambry Variant Classification Scheme 2023. Collection method: clinical testing. Allele origin: germline.
Comment: The p.E1446A variant (also known as c.4337A>C), located in coding exon 25 of the NOTCH1 gene, results from an A to C substitution at nucleotide position 4337. The glutamic acid at codon 1446 is replaced by alanine, an amino acid with dissimilar properties. This amino acid position is conserved. In addition, this alteration is predicted to be tolerated by in silico analysis. Based on the available evidence, the clinical significance of this variant remains unclear.